The following is an entry in ClinVar:

NM_004370.6(COL12A1):c.5299A>G (p.Asn1767Asp)

Gene: COL12A1 (collagen type XII alpha 1 chain; minus strand). Cytogenetic location: 6q13.
Variant type: single nucleotide variant.
Coding change: c.5299A>G on transcript NM_004370.6 (MANE Select); coding-DNA position 5299, A replaced by G.
Protein change: p.Asn1767Asp; replaces asparagine 1767 with aspartic acid.
Molecular consequence: missense variant.
Genome position (GRCh38, 1-based): chr6:75,137,532, T>C on the plus strand (A>G on the coding strand, the complement: COL12A1 is on the minus strand). VCF-style: chr6-75137532-T-C. GRCh37 (hg19) VCF-style: chr6-75847248-T-C.
Other names: c.1807A>G, p.Asn603Asp (NM_001424116.1, NM_080645.3); c.5299A>G, p.Asn1767Asp (NM_001424113.1); c.5278A>G, p.Asn1760Asp (NM_001424114.1); c.5026A>G, p.Asn1676Asp (NM_001424115.1); short protein forms N1676D, N1760D, N1767D, N603D.
Identifiers: ClinVar variation 3747927 (VCV003747927.2).

ClinVar aggregate classification (germline): Uncertain significance (1 of 4 stars; one submission).

Conditions:
Ullrich congenital muscular dystrophy 2 (UCMD2). Identifiers: Orphanet 75840, MedGen C4225314, MONDO:0014654, OMIM 616470.
Bethlem myopathy 2 (BTHLM2). Identifiers: Orphanet 536516, Orphanet 610, MedGen C4225313, MONDO:0034022, OMIM 616471.

gnomAD v4.1: 4 of 1,613,800 alleles (0.00025%); highest among the groups gnomAD compares: Non-Finnish European, 0.00034%; no homozygotes.

Submission:

Labcorp Genetics (formerly Invitae), Labcorp
Classification: Uncertain significance for Bethlem myopathy 2; Ullrich congenital muscular dystrophy 2. Last evaluated: 2024-08-30. Review status: criteria provided, single submitter. Criteria: Invitae Variant Classification Sherloc (09022015). Collection method: clinical testing. Allele origin: germline.
Comment: This sequence change replaces asparagine, which is neutral and polar, with aspartic acid, which is acidic and polar, at codon 1767 of the COL12A1 protein (p.Asn1767Asp). This variant is present in population databases (rs766882236, gnomAD 0.002%). This variant has not been reported in the literature in individuals affected with COL12A1-related conditions. Invitae Evidence Modeling of protein sequence and biophysical properties (such as structural, functional, and spatial information, amino acid conservation, physicochemical variation, residue mobility, and thermodynamic stability) indicates that this missense variant is not expected to disrupt COL12A1 protein function with a negative predictive value of 80%. In summary, the available evidence is currently insufficient to determine the role of this variant in disease. Therefore, it has been classified as a Variant of Uncertain Significance.